The following is an entry in ClinVar:

NM_000152.5(GAA):c.2647-6G>T

Gene: GAA (alpha glucosidase; plus strand). Cytogenetic location: 17q25.3.
Variant type: single nucleotide variant.
Coding change: c.2647-6G>T on transcript NM_000152.5 (MANE Select); 6 bases into the intron before coding-DNA position 2647, G replaced by T.
Molecular consequence: intron variant.
Genome position (GRCh38, 1-based): chr17:80,118,647, G>T. VCF-style: chr17-80118647-G-T. GRCh37 (hg19) VCF-style: chr17-78092446-G-T.
Other names: c.2647-6G>T (NM_000152.4, LRG_673t1, NM_001079803.3 and 1 more transcripts).
Identifiers: ClinVar variation 526548 (VCV000526548.14), dbSNP rs201525743, ClinGen allele CA8815823.

ClinVar aggregate classification (germline): Likely benign. Review status: criteria provided, multiple submitters, no conflicts (2 of 4 stars). 3 submissions from 3 submitters: Likely benign (3). Last evaluated 2026-01-14.

Conditions:
GAA-related disorder. Also called: GAA-related condition.
Glycogen storage disease, type II (IOPD). Also called: Glucosidase acid-1,4-alpha deficiency; Pompe Disease; GLYCOGENOSIS, GENERALIZED, CARDIAC FORM; GSD II; POMPE DISEASE, INFANTILE-ONSET; GLYCOGEN STORAGE DISEASE II, INFANTILE-ONSET. Identifiers: Orphanet 365, MedGen C0017921, MONDO:0009290, OMIM 232300.

Allele frequency attached by ClinVar (database versions not stated): ExAC 0.00001; gnomAD exomes 0.00003; gnomAD 0.00004.
gnomAD v4.1: 137 of 1,611,658 alleles (0.0085%); highest among the groups gnomAD compares: Non-Finnish European, 0.011%; no homozygotes.

Submissions (3):

Labcorp Genetics (formerly Invitae), Labcorp
Classification: Likely benign for Glycogen storage disease, type II. Last evaluated: 2026-01-14. Review status: criteria provided, single submitter. Criteria: Invitae Variant Classification Sherloc (09022015). Collection method: clinical testing. Allele origin: germline.

PreventionGenetics, part of Exact Sciences
Classification: Likely benign for GAA-related condition. Last evaluated: 2025-07-03. Review status: criteria provided, single submitter. Criteria: ACMG Guidelines, 2015. Collection method: clinical testing. Allele origin: germline.
Comment: This variant is classified as likely benign based on ACMG/AMP sequence variant interpretation guidelines (Richards et al. 2015 PMID: 25741868, with internal and published modifications).

Blueprint Genetics
Classification: Likely benign. Last evaluated: 2024-01-18. Review status: criteria provided, single submitter. Criteria: ACMG Guidelines, 2015. Collection method: clinical testing. Allele origin: germline.